The following is an entry in ClinVar:

ClinVar aggregate classification (germline): Likely pathogenic. Review status: criteria provided, multiple submitters, no conflicts (2 of 4 stars). 3 submissions from 3 submitters: Likely pathogenic (3). Last evaluated 2022-05-28.

Conditions:
Multiple epiphyseal dysplasia type 1. Also called: COMP-Related Multiple Epiphyseal Dysplasia. Identifiers: Orphanet 93308, MedGen C1838280, MONDO:0007561, OMIM 132400.
Carpal tunnel syndrome 2. Identifiers: MedGen C5436916, MONDO:0030883, OMIM 619161.
Pseudoachondroplastic spondyloepiphyseal dysplasia syndrome (PSACH). Also called: PSEUDOACHONDROPLASTIC DYSPLASIA; Pseudoachondroplasia; COMP-Related Pseudoachondroplasia. Identifiers: Orphanet 750, MedGen C0410538, MONDO:0008322, OMIM 177170.

Submissions (3):

Labcorp Genetics (formerly Invitae), Labcorp
Classification: Likely pathogenic. Last evaluated: 2022-05-28. Review status: criteria provided, single submitter. Criteria: Invitae Variant Classification Sherloc (09022015). Collection method: clinical testing. Allele origin: germline.
Comment: This sequence change replaces aspartic acid, which is acidic and polar, with asparagine, which is neutral and polar, at codon 399 of the COMP protein (p.Asp399Asn). This variant is not present in population databases (gnomAD no frequency). This missense change has been observed in individuals with epiphyseal dysplasia (PMID: 15756302; Invitae). ClinVar contains an entry for this variant (Variation ID: 449474). Advanced modeling of protein sequence and biophysical properties (such as structural, functional, and spatial information, amino acid conservation, physicochemical variation, residue mobility, and thermodynamic stability) performed at Invitae indicates that this missense variant is expected to disrupt COMP protein function. In summary, the currently available evidence indicates that the variant is pathogenic, but additional data are needed to prove that conclusively. Therefore, this variant has been classified as Likely Pathogenic.

GeneDx
Classification: Likely pathogenic. Last evaluated: 2017-08-25. Review status: criteria provided, single submitter. Criteria: GeneDx Variant Classification (06012015). Collection method: clinical testing. Allele origin: germline. Affected: yes.
Comment: The D399N variant in the COMP gene has been reported previously in affected individuals with multiple epiphyseal dysplasia in one family, while their unaffected family members did not carry the variant (Kennedy et al., 2005). The D399N variant is not observed in large population cohorts (Lek et al., 2016; 1000 Genomes Consortium et al., 2015; Exome Variant Server). The D399N variant is a semi-conservative amino acid substitution, which may impact secondary protein structure as these residues differ in some properties. This substitution occurs at a position that is conserved across species. In silico analysis predicts this variant is probably damaging to the protein structure/function. We interpret D399N as a likely pathogenic variant.

Juno Genomics, Hangzhou Juno Genomics, Inc
Classification: Likely pathogenic for Multiple epiphyseal dysplasia type 1; Pseudoachondroplastic spondyloepiphyseal dysplasia syndrome; Carpal tunnel syndrome 2. Review status: criteria provided, single submitter. Criteria: ACMG Guidelines, 2015. Collection method: clinical testing. Allele origin: germline. Affected: yes.
Comment: Absent from controls (or at extremely low frequency if recessive) in Genome Aggregation Database, Exome Sequencing Project, 1000 Genomes Project, or Exome Aggregation Consortium.;Multiple lines of computational evidence support a deleterious effect on the gene or gene product (conservation, evolutionary, splicing impact, etc).;The prevalence of the variant in affected individuals is significantly increased compared to the prevalence in controls.;Patient's phenotype or family history is highly specific for a disease with a single genetic etiology.;Located in a mutational hot spot and/or critical and well-established functional domain (e.g. active site of an enzyme) without benign variation.

Literature cited by the submitters: PubMed 15756302 (cited by Labcorp Genetics (formerly Invitae), Labcorp).

NM_000095.3(COMP):c.1195G>A (p.Asp399Asn)

Gene: COMP (cartilage oligomeric matrix protein; minus strand). Cytogenetic location: 19p13.11.
Variant type: single nucleotide variant.
Coding change: c.1195G>A on transcript NM_000095.3 (MANE Select); coding-DNA position 1195, G replaced by A.
Protein change: p.Asp399Asn; replaces aspartic acid 399 with asparagine.
Molecular consequence: missense variant.
Genome position (GRCh38, 1-based): chr19:18,786,591, C>T on the plus strand (G>A on the coding strand, the complement: COMP is on the minus strand). VCF-style: chr19-18786591-C-T. GRCh37 (hg19) VCF-style: chr19-18897401-C-T.
Other names: short protein forms D399N.
Identifiers: ClinVar variation 449474 (VCV000449474.9), dbSNP rs1555791490, ClinGen allele CA404886685.